The following is an entry in ClinVar:

ClinVar aggregate classification (germline): Uncertain significance (1 of 4 stars; one submission).

Conditions:
Hereditary cancer-predisposing syndrome. Also called: Tumor predisposition; Hereditary Cancer Syndrome; Hereditary neoplastic syndrome; Neoplastic Syndromes, Hereditary. Identifiers: Orphanet 140162, MedGen C0027672, MeSH D009386, MONDO:0015356.

Allele frequency attached by ClinVar (database versions not stated): ExAC 0.00001.
gnomAD v4.1: 1 of 1,613,684 alleles (0.000062%); highest among the groups gnomAD compares: South Asian, 0.0011%; no homozygotes.

Submission:

Ambry Genetics
Classification: Uncertain significance for Hereditary cancer-predisposing syndrome. Last evaluated: 2023-06-17. Review status: criteria provided, single submitter. Criteria: Ambry Variant Classification Scheme 2023. Collection method: clinical testing. Allele origin: germline.
Comment: The p.P1548H variant (also known as c.4643C>A), located in coding exon 36 of the POLE gene, results from a C to A substitution at nucleotide position 4643. The proline at codon 1548 is replaced by histidine, an amino acid with similar properties. This amino acid position is conserved. In addition, this alteration is predicted to be tolerated by in silico analysis. Since supporting evidence is limited at this time, the clinical significance of this alteration remains unclear.

NM_006231.4(POLE):c.4643C>A (p.Pro1548His)

Gene: POLE (DNA polymerase epsilon, catalytic subunit; minus strand). Cytogenetic location: 12q24.33.
Variant type: single nucleotide variant.
Coding change: c.4643C>A on transcript NM_006231.4 (MANE Select); coding-DNA position 4643, C replaced by A.
Protein change: p.Pro1548His; replaces proline 1548 with histidine.
Molecular consequence: missense variant.
Genome position (GRCh38, 1-based): chr12:132,642,905, G>T on the plus strand (C>A on the coding strand, the complement: POLE is on the minus strand). VCF-style: chr12-132642905-G-T. GRCh37 (hg19) VCF-style: chr12-133219491-G-T.
Other names: short protein forms P1548H.
Identifiers: ClinVar variation 2620651 (VCV002620651.2), dbSNP rs779475320, ClinGen allele CA6892759.